The following is an entry in ClinVar:

NM_001447.3(FAT2):c.47C>T (p.Ala16Val)

Gene: FAT2 (FAT atypical cadherin 2; minus strand). Cytogenetic location: 5q33.1.
Variant type: single nucleotide variant.
Coding change: c.47C>T on transcript NM_001447.3 (MANE Select); coding-DNA position 47, C replaced by T.
Protein change: p.Ala16Val; replaces alanine 16 with valine.
Molecular consequence: missense variant.
Genome position (GRCh38, 1-based): chr5:151,568,885, G>A on the plus strand (C>T on the coding strand, the complement: FAT2 is on the minus strand). VCF-style: chr5-151568885-G-A. GRCh37 (hg19) VCF-style: chr5-150948446-G-A.
Other names: short protein forms A16V.
Identifiers: ClinVar variation 2054820 (VCV002054820.5), dbSNP rs200899973, ClinGen allele CA3522500.
Genomic context (GRCh38, chr5:151,568,885, plus strand): 5'-GAGTGTGTGAAGTGCCAAGCAGAGGAGGAGAGAATCCCTTCTAGAGGCTTCTCACAGGTC[G>A]CACAATGGAGCAAGAATATGGCAAAACCCAGCAGGGCAATAGTCATGGTGGAAAACTCCC-3'
Protein context (NP_001438.1, residues 6-26): LGFAIFLLHC[Ala16Val]TCEKPLEGIL

ClinVar aggregate classification (germline): Conflicting classifications of pathogenicity. Review status: criteria provided, conflicting classifications (1 of 4 stars). 2 submissions from 2 submitters: Uncertain significance (1); Likely benign (1). Last evaluated 2024-05-08.

Allele frequency attached by ClinVar (database versions not stated): 1000 Genomes Project 30x 0.00016; gnomAD exomes 0.00003; ExAC 0.00006; gnomAD 0.00004; 1000 Genomes Project 0.00020.
gnomAD v4.1: 59 of 1,613,498 alleles (0.0037%); highest among the groups gnomAD compares: South Asian, 0.0077%; no homozygotes.

Submissions (2):

Labcorp Genetics (formerly Invitae), Labcorp
Classification: Uncertain significance. Last evaluated: 2024-05-08. Review status: criteria provided, single submitter. Criteria: Invitae Variant Classification Sherloc (09022015). Collection method: clinical testing. Allele origin: germline.
Comment: This sequence change replaces alanine, which is neutral and non-polar, with valine, which is neutral and non-polar, at codon 16 of the FAT2 protein (p.Ala16Val). This variant is present in population databases (rs200899973, gnomAD 0.007%). This variant has not been reported in the literature in individuals affected with FAT2-related conditions. ClinVar contains an entry for this variant (Variation ID: 2054820). Algorithms developed to predict the effect of missense changes on protein structure and function output the following: SIFT: "Not Available"; PolyPhen-2: "Benign"; Align-GVGD: "Not Available". The valine amino acid residue is found in multiple mammalian species, which suggests that this missense change does not adversely affect protein function. In summary, the available evidence is currently insufficient to determine the role of this variant in disease. Therefore, it has been classified as a Variant of Uncertain Significance.

Ambry Genetics
Classification: Likely benign. Last evaluated: 2022-11-10. Review status: criteria provided, single submitter. Criteria: Ambry Variant Classification Scheme 2023. Collection method: clinical testing. Allele origin: germline.